The following is an entry in ClinVar:

ClinVar aggregate classification (germline): Uncertain significance (1 of 4 stars; one submission).

Conditions:
Interstitial lung disease due to ABCA3 deficiency. Also called: PULMONARY ALVEOLAR PROTEINOSIS, CONGENITAL, 3. Identifiers: Orphanet 440402, MedGen C1970456, MONDO:0012582, OMIM 610921.

Submission:

3billion
Classification: Uncertain significance for Interstitial lung disease due to ABCA3 deficiency. Last evaluated: 2025-08-19. Review status: criteria provided, single submitter. Criteria: ACMG Guidelines, 2015. Collection method: clinical testing. Allele origin: germline. Affected: yes.
Comment: The variant is not observed in the gnomAD v4.1.0 dataset. Predicted Consequence/Location: Missense variant Damaging effect on gene or gene product predicted by in silico programs is uncertain [REVEL: 0.26 (damaging >=0.6, benign <0.4), 3Cnet: 0.37 (damaging >0.75, benign <0.1)]. Therefore, this variant is classified as VUS according to the recommendation of ACMG/AMP guideline.

NM_001089.3(ABCA3):c.179A>C (p.Gln60Pro)

Gene: ABCA3 (ATP binding cassette subfamily A member 3; minus strand). Cytogenetic location: 16p13.3.
Variant type: single nucleotide variant.
Coding change: c.179A>C on transcript NM_001089.3 (MANE Select); coding-DNA position 179, A replaced by C.
Protein change: p.Gln60Pro; replaces glutamine 60 with proline.
Molecular consequence: missense variant.
Genome position (GRCh38, 1-based): chr16:2,326,150, T>G on the plus strand (A>C on the coding strand, the complement: ABCA3 is on the minus strand). VCF-style: chr16-2326150-T-G. GRCh37 (hg19) VCF-style: chr16-2376151-T-G.
Other names: short protein forms Q60P.
Identifiers: ClinVar variation 4854079 (VCV004854079.1).